The following is an entry in ClinVar:

NM_001375567.1(FOCAD):c.1288G>C (p.Ala430Pro)

Gene: FOCAD (focadhesin; plus strand). Cytogenetic location: 9p21.3.
Variant type: single nucleotide variant.
Coding change: c.1288G>C on transcript NM_001375567.1 (MANE Select); coding-DNA position 1288, G replaced by C.
Protein change: p.Ala430Pro; replaces alanine 430 with proline.
Molecular consequence: missense variant.
Genome position (GRCh38, 1-based): chr9:20,789,441, G>C. VCF-style: chr9-20789441-G-C. GRCh37 (hg19) VCF-style: chr9-20789440-G-C.
Other names: c.1183G>C, p.Ala395Pro (NM_001375570.1); c.1288G>C, p.Ala430Pro (NM_017794.5, NM_001375568.1); short protein forms A430P, A395P.
Identifiers: ClinVar variation 3719574 (VCV003719574.2).

ClinVar aggregate classification (germline): Uncertain significance (1 of 4 stars; one submission).

gnomAD v4.1: 7 of 1,613,904 alleles (0.00043%); highest among the groups gnomAD compares: Admixed American, 0.0033%; no homozygotes.

Submission:

Labcorp Genetics (formerly Invitae), Labcorp
Classification: Uncertain significance. Last evaluated: 2024-05-21. Review status: criteria provided, single submitter. Criteria: Invitae Variant Classification Sherloc (09022015). Collection method: clinical testing. Allele origin: germline.
Comment: This sequence change replaces alanine, which is neutral and non-polar, with proline, which is neutral and non-polar, at codon 430 of the FOCAD protein (p.Ala430Pro). This variant is present in population databases (rs367913356, gnomAD 0.006%). This variant has not been reported in the literature in individuals affected with FOCAD-related conditions. In summary, the available evidence is currently insufficient to determine the role of this variant in disease. Therefore, it has been classified as a Variant of Uncertain Significance.